The following is an entry in ClinVar:

NM_022437.3(ABCG8):c.1637C>T (p.Ala546Val)

Gene: ABCG8 (ATP binding cassette subfamily G member 8; plus strand). Cytogenetic location: 2p21.
Variant type: single nucleotide variant.
Coding change: c.1637C>T on transcript NM_022437.3 (MANE Select); coding-DNA position 1637, C replaced by T.
Protein change: p.Ala546Val; replaces alanine 546 with valine.
Molecular consequence: missense variant.
Genome position (GRCh38, 1-based): chr2:43,875,294, C>T. VCF-style: chr2-43875294-C-T. GRCh37 (hg19) VCF-style: chr2-44102433-C-T.
Other names: c.1634C>T, p.Ala545Val (NM_001357321.2); c.1637C>T (NM_022437.2); short protein forms A546V, A545V.
Identifiers: ClinVar variation 598688 (VCV000598688.7), dbSNP rs1025595416, ClinGen allele CA46471181.

ClinVar aggregate classification (germline): Uncertain significance. Review status: criteria provided, multiple submitters, no conflicts (2 of 4 stars). 2 submissions from 2 submitters: Uncertain significance (2). Last evaluated 2023-05-19.

Conditions:
Cardiovascular phenotype. Identifiers: MedGen CN230736.

Allele frequency attached by ClinVar (database versions not stated): gnomAD exomes below 0.00001; TOPMed 0.00002.
gnomAD v4.1: 2 of 1,614,162 alleles (0.00012%); highest among the groups gnomAD compares: African/African-American, 0.0013%; no homozygotes.

Submissions (2):

Ambry Genetics
Classification: Uncertain significance for Cardiovascular phenotype. Last evaluated: 2023-05-19. Review status: criteria provided, single submitter. Criteria: Ambry Variant Classification Scheme 2023. Collection method: clinical testing. Allele origin: germline.
Comment: The p.A546V variant (also known as c.1637C>T), located in coding exon 11 of the ABCG8 gene, results from a C to T substitution at nucleotide position 1637. The alanine at codon 546 is replaced by valine, an amino acid with similar properties. This amino acid position is conserved. In addition, the in silico prediction for this alteration is inconclusive. Since supporting evidence is limited at this time, the clinical significance of this alteration remains unclear.

Eurofins Ntd Llc (ga)
Classification: Uncertain significance. Last evaluated: 2018-09-13. Review status: criteria provided, single submitter. Criteria: EGL ClinVar v180209 classification definitions. Collection method: clinical testing. Allele origin: germline. Observed: 1 variant allele, 1 heterozygote.